The following is an entry in ClinVar:

NM_005566.4(LDHA):c.126+3_126+6del

Gene: LDHA (lactate dehydrogenase A; plus strand). Cytogenetic location: 11p15.1.
Variant type: Deletion.
Coding change: c.126+3_126+6del on transcript NM_005566.4 (MANE Select); bases 3 to 6 of the intron after coding-DNA position 126, 4 bases deleted (AAGT; older notation c.126+3_126+6delAAGT).
Molecular consequence: splice donor variant.
Genome position (GRCh38, 1-based): chr11:18,396,971-18,396,974, AAGT deleted; deleting any 4 consecutive bases within chr11:18,396,969-18,396,974 gives the same sequence; the c. name uses the placement nearest the transcript's 3' end. VCF-style (leftmost placement, unchanged base first): chr11-18396968-GGTAA-G. GRCh37 (hg19) VCF-style: chr11-18418515-GGTAA-G.
Other names: NC_000011.9:g.18418518_18418521del; c.126+3_126+6del (NM_001165416.2, NM_001135239.2, NM_001165415.2); c.213+3_213+6del (NM_001165414.2).
Identifiers: ClinVar variation 303910 (VCV000303910.53), dbSNP rs776715682, ClinGen allele CA5911182.
Genomic context (GRCh38, chr11:18,396,968, plus strand): 5'-GATTACAGTTGTTGGGGTTGGTGCTGTTGGCATGGCCTGTGCCATCAGTATCTTAATGAA[GGTAA>G]GTGAGAGTCTACCACACTGGAAGCCCATACCTTGACCCCATCCTCTACCCCCACTCCTAC-3'

ClinVar aggregate classification (germline): Uncertain significance. Review status: criteria provided, multiple submitters, no conflicts (2 of 4 stars). 3 submissions from 3 submitters: Uncertain significance (3). Last evaluated 2026-06-01.

Conditions:
Glycogen storage disease due to lactate dehydrogenase M-subunit deficiency (GSD11). Also called: Glycogen storage disease XI; GSD XI; LACTATE DEHYDROGENASE A DEFICIENCY. Identifiers: Orphanet 284426, MedGen C2931743, MONDO:0013047, OMIM 612933.

Submissions (5):

CeGaT Center for Human Genetics Tuebingen
Classification: Uncertain significance. Last evaluated: 2026-06-01. Review status: criteria provided, single submitter. Criteria: CeGaT Center For Human Genetics Tuebingen Variant Classification Criteria Version 2. Collection method: clinical testing. Allele origin: germline. Affected: yes. Observed: 2 variant alleles.
Comment: LDHA: PM2, BP4

Blueprint Genetics
Classification: Uncertain significance. Last evaluated: 2024-11-20. Review status: criteria provided, single submitter. Criteria: ACMG Guidelines, 2015. Collection method: clinical testing. Allele origin: germline.

Labcorp Genetics (formerly Invitae), Labcorp
Classification: Uncertain significance for Glycogen storage disease due to lactate dehydrogenase M-subunit deficiency. Last evaluated: 2024-01-29. Review status: criteria provided, single submitter. Criteria: Invitae Variant Classification Sherloc (09022015). Collection method: clinical testing. Allele origin: germline.
Comment: This sequence change falls in intron 2 of the LDHA gene. It does not directly change the encoded amino acid sequence of the LDHA protein. It affects a nucleotide within the consensus splice site. This variant is present in population databases (rs776715682, gnomAD 0.1%), and has an allele count higher than expected for a pathogenic variant. This variant has not been reported in the literature in individuals affected with LDHA-related conditions. ClinVar contains an entry for this variant (Variation ID: 303910). Variants that disrupt the consensus splice site are a relatively common cause of aberrant splicing (PMID: 17576681, 9536098). Algorithms developed to predict the effect of sequence changes on RNA splicing suggest that this variant is not likely to affect RNA splicing. In summary, the available evidence is currently insufficient to determine the role of this variant in disease. Therefore, it has been classified as a Variant of Uncertain Significance.

Dr. Peter K. Rogan Lab, Western University
No classification provided (evidence only). Condition: Familial cancer of breast. Review status: no classification provided. Collection method: in vitro. Allele origin: not applicable. Functional consequence: skipped exon. Not counted in ClinVar's aggregate classification.

Dr. Peter K. Rogan Lab, Western University
No classification provided (evidence only). Condition: Malignant tumor of esophagus. Review status: no classification provided. Collection method: in vitro. Allele origin: not applicable. Functional consequence: skipped exon. Not counted in ClinVar's aggregate classification.

Literature cited by the submitters: PubMed 17576681 (cited by Labcorp Genetics (formerly Invitae), Labcorp); PubMed 9536098 (cited by Labcorp Genetics (formerly Invitae), Labcorp).